The following is an entry in ClinVar:

NM_001904.4(CTNNB1):c.97T>G (p.Ser33Ala)

Genes: CTNNB1 (catenin beta 1; plus strand), LOC126806658 (BRD4-independent group 4 enhancer GRCh37_chr3:41265899-41267098; plus strand). Cytogenetic location: 3p22.1.
Variant type: single nucleotide variant.
Coding change: c.97T>G on transcript NM_001904.4 (MANE Select); coding-DNA position 97, T replaced by G.
Protein change: p.Ser33Ala; replaces serine 33 with alanine.
Molecular consequence: missense variant.
Genome position (GRCh38, 1-based): chr3:41,224,609, T>G. VCF-style: chr3-41224609-T-G. GRCh37 (hg19) VCF-style: chr3-41266100-T-G.
Other names: c.97T>G, p.Ser33Ala (NM_001098209.2, NM_001098210.2); c.76T>G, p.Ser26Ala (NM_001330729.2); short protein forms S33A, S26A.
Identifiers: ClinVar variation 4530149 (VCV004530149.1), dbSNP rs1057519886.

ClinVar aggregate classification (somatic clinical impact): Tier I - Strong (1 of 4 stars; one submission).

Conditions:
Medulloblastoma WNT activated. Identifiers: MedGen C4331965, MONDO:0850196.

Submission:

Institute for Genomic Medicine (IGM) Clinical Laboratory, Nationwide Children's Hospital
Classification: Tier I - Strong for Medulloblastoma WNT activated. Assertion type: diagnostic. Clinical significance: supports diagnosis. Last evaluated: 2025-10-10. Review status: criteria provided, single submitter. Criteria: AMP/ASCO/CAP Guidelines, 2017. Collection method: clinical testing. Allele origin: somatic. Affected: yes.
Comment: Variant has Tier I (strong) clinical significance as a diagnostic inclusion criterion in medulloblastoma WNT activated, based on the following evidence: 1) Documented in one or more cancer databases (e.g., St. Jude Pecan, COSMIC, CIViC, OncoKB). 2) Appears in one or more well-established professional guidelines (e.g., World Health Organization [WHO]; National Comprehensive Cancer Network [NCCN]) as providing diagnostic, prognostic, or therapeutic information. 3) Information in the literature supports potential biologic effect of variant (PMID: 15829978). 4) Diagnostic for a specific tumor type/classification according to professional guidelines (Evidence Level A; PMIDs: 21163964, 22832581, 28726821, 22832583).

Literature cited by the submitters: PubMed 15829978; PubMed 21163964; PubMed 22832581; PubMed 28726821; PubMed 22832583.